The following is an entry in ClinVar:

NM_025243.4(SLC19A3):c.835T>C (p.Phe279Leu)

Gene: SLC19A3 (solute carrier family 19 member 3; minus strand). Cytogenetic location: 2q36.3.
Variant type: single nucleotide variant.
Coding change: c.835T>C on transcript NM_025243.4 (MANE Select); coding-DNA position 835, T replaced by C.
Protein change: p.Phe279Leu; replaces phenylalanine 279 with leucine.
Molecular consequence: missense variant.
Genome position (GRCh38, 1-based): chr2:227,698,880, A>G on the plus strand (T>C on the coding strand, the complement: SLC19A3 is on the minus strand). VCF-style: chr2-227698880-A-G. GRCh37 (hg19) VCF-style: chr2-228563596-A-G.
Other names: c.835T>C, p.Phe279Leu (NM_001371412.1, NM_001371411.1); c.823T>C, p.Phe275Leu (NM_001371413.1, NM_001371414.1); short protein forms F275L, F279L.
Identifiers: ClinVar variation 1379193 (VCV001379193.3), dbSNP rs377709852, ClinGen allele CA2149227.

ClinVar aggregate classification (germline): Uncertain significance (1 of 4 stars; one submission).

Conditions:
Biotin-responsive basal ganglia disease (BTBGD). Also called: Thiamine metabolism dysfunction syndrome type 2; Thiamine Transporter-2 Deficiency; THIAMINE METABOLISM DYSFUNCTION SYNDROME 2 (BIOTIN- AND THIAMINE-RESPONSIVE TYPE); Thiamine metabolism dysfunction syndrome 2 (biotin- or thiamine-responsive encephalopathy type 2); thiamine-responsive encephalopathy. Identifiers: Orphanet 199348, Orphanet 65284, MedGen C1843807, MONDO:0011841, OMIM 607483.

Allele frequency attached by ClinVar (database versions not stated): gnomAD exomes below 0.00001 and 0.00001; ExAC 0.00001; gnomAD 0.00001; 1000 Genomes Project 30x 0.00016; 1000 Genomes Project 0.00020.
gnomAD v4.1: 2 of 1,614,174 alleles (0.00012%); highest among the groups gnomAD compares: East Asian, 0.0045%; no homozygotes.

Submission:

Labcorp Genetics (formerly Invitae), Labcorp
Classification: Uncertain significance for Biotin-responsive basal ganglia disease. Last evaluated: 2021-09-02. Review status: criteria provided, single submitter. Criteria: Invitae Variant Classification Sherloc (09022015). Collection method: clinical testing. Allele origin: germline.
Comment: This sequence change replaces phenylalanine with leucine at codon 279 of the SLC19A3 protein (p.Phe279Leu). The phenylalanine residue is weakly conserved and there is a small physicochemical difference between phenylalanine and leucine. This variant is present in population databases (rs377709852, ExAC 0.01%). This variant has not been reported in the literature in individuals affected with SLC19A3-related conditions. Advanced modeling of protein sequence and biophysical properties (such as structural, functional, and spatial information, amino acid conservation, physicochemical variation, residue mobility, and thermodynamic stability) performed at Invitae indicates that this missense variant is not expected to disrupt SLC19A3 protein function. In summary, the available evidence is currently insufficient to determine the role of this variant in disease. Therefore, it has been classified as a Variant of Uncertain Significance.